The following is an entry in ClinVar:

ClinVar aggregate classification (germline): Uncertain significance. Review status: criteria provided, multiple submitters, no conflicts (2 of 4 stars). 3 submissions from 3 submitters: Uncertain significance (3). Last evaluated 2025-08-27.

Conditions:
Hypercholesterolemia, autosomal dominant, 3 (FHCL3). Also called: Familial hypercholesterolemia 3; PCSK9-Related Familial Hypercholesterolemia, Autosomal Dominant; Familial Hypercholesterolemia, Autosomal Dominant, 3. Identifiers: MedGen C1863551, MONDO:0011369, OMIM 603776.
Familial hypercholesterolemia. Also called: Familial hypercholesterolemias; Familial hypercholesterolaemia. Identifiers: MedGen C0020445, MONDO:0005439.

Submissions (3):

Color Diagnostics, LLC DBA Color Health
Classification: Uncertain significance for Familial hypercholesterolemia. Last evaluated: 2025-08-27. Review status: criteria provided, single submitter. Criteria: ACMG Guidelines, 2015. Collection method: clinical testing. Allele origin: germline.
Comment: This variant causes a G to A nucleotide substitution at the -6 position of intron 1 of the PCSK9 gene. To our knowledge, functional studies have not been reported for this variant. This variant has not been reported in individuals affected with familial hypercholesterolemia in the literature. This variant has not been identified in the general population by the Genome Aggregation Database (gnomAD). The available evidence is insufficient to determine the role of this variant in disease conclusively. Therefore, this variant is classified as a Variant of Uncertain Significance.

GeneDx
Classification: Uncertain significance. Last evaluated: 2025-07-25. Review status: criteria provided, single submitter. Criteria: GeneDx Variant Classification Process June 2021. Collection method: clinical testing. Allele origin: germline. Affected: yes.
Comment: Not observed at significant frequency in large population cohorts (gnomAD); In silico analysis supports a deleterious effect on splicing; Has not been previously published as pathogenic or benign to our knowledge

Labcorp Genetics (formerly Invitae), Labcorp
Classification: Uncertain significance for Hypercholesterolemia, autosomal dominant, 3. Last evaluated: 2023-05-19. Review status: criteria provided, single submitter. Criteria: Invitae Variant Classification Sherloc (09022015). Collection method: clinical testing. Allele origin: germline.
Comment: ClinVar contains an entry for this variant (Variation ID: 1332452). This variant has not been reported in the literature in individuals affected with PCSK9-related conditions. This variant is not present in population databases (gnomAD no frequency). This sequence change falls in intron 1 of the PCSK9 gene. It does not directly change the encoded amino acid sequence of the PCSK9 protein. Algorithms developed to predict the effect of sequence changes on RNA splicing suggest that this variant may create or strengthen a splice site. In summary, the available evidence is currently insufficient to determine the role of this variant in disease. Therefore, it has been classified as a Variant of Uncertain Significance.

NM_174936.4(PCSK9):c.208-6G>A

Gene: PCSK9 (proprotein convertase subtilisin/kexin type 9; plus strand). Cytogenetic location: 1p32.3.
Variant type: single nucleotide variant.
Coding change: c.208-6G>A on transcript NM_174936.4 (MANE Select); 6 bases into the intron before coding-DNA position 208, G replaced by A.
Molecular consequence: intron variant.
Genome position (GRCh38, 1-based): chr1:55,043,837, G>A. VCF-style: chr1-55043837-G-A. GRCh37 (hg19) VCF-style: chr1-55509510-G-A.
Identifiers: ClinVar variation 1332452 (VCV001332452.7), dbSNP rs2100266306, ClinGen allele CA2573051598.
Genomic context (GRCh38, chr1:55,043,837, plus strand): 5'-ATAAAGTACACCTAGGGTTTGCTGGGTTTCTTCCATGTCATCATGTTCCTCCTTGCATGG[G>A]GCCAGGATCCGTGGAGGTTGCCTGGCACCTACGTGGTGGTGCTGAAGGAGGAGACCCACC-3'